The following is an entry in ClinVar:

NM_007294.4(BRCA1):c.3673T>G (p.Cys1225Gly)

Genes: BRCA1 (BRCA1 DNA repair associated; minus strand), LOC126862571 (BRD4-independent group 4 enhancer GRCh37_chr17:41243136-41244335; plus strand). Cytogenetic location: 17q21.31.
Variant type: single nucleotide variant.
Coding change: c.3673T>G on transcript NM_007294.4 (MANE Select); coding-DNA position 3673, T replaced by G.
Protein change: p.Cys1225Gly; replaces cysteine 1225 with glycine.
Molecular consequence: missense variant. On other transcripts: intron variant (135).
Genome position (GRCh38, 1-based): chr17:43,091,858, A>C on the plus strand (T>G on the coding strand, the complement: BRCA1 is on the minus strand). VCF-style: chr17-43091858-A-C. GRCh37 (hg19) VCF-style: chr17-41243875-A-C.
Other names: c.3460T>G, p.Cys1154Gly (NM_001407571.1, NM_001407853.1, NM_001407894.1 and 9 more transcripts); c.3673T>G, p.Cys1225Gly (NM_001407581.1, NM_001407582.1, NM_001407583.1 and 30 more transcripts); c.3670T>G, p.Cys1224Gly (NM_001407587.1, NM_001407590.1, NM_001407591.1 and 22 more transcripts); c.3664T>G, p.Cys1222Gly (NM_001407646.1, NM_001407647.1); c.3550T>G, p.Cys1184Gly (NM_001407648.1, NM_001407664.1, NM_001407665.1 and 19 more transcripts); c.3547T>G, p.Cys1183Gly (NM_001407649.1, NM_001407670.1, NM_001407671.1 and 11 more transcripts); c.3595T>G, p.Cys1199Gly (NM_001407653.1, NM_001407654.1, NM_001407655.1 and 4 more transcripts); c.3592T>G, p.Cys1198Gly (NM_001407659.1, NM_001407660.1, NM_001407661.1 and 1 more transcripts); and 41 more; short protein forms C1225G, C1178G, C1057G, C1098G, C1136G, C1137G, C1155G, C1222G.
Identifiers: ClinVar variation 462621 (VCV000462621.12), dbSNP rs1382025345, ClinGen allele CA10594622.
Genomic context (GRCh38, chr17:43,091,858, plus strand): 5'-TATGCCTAGTAGACTGAGAAGGTATATTGTTTACTTTACCAAATAACAAGTGTTGGAAGC[A>C]GGGAAGCTCTTCATCCTCACTAGATAAGTTCTCTTCTGAGGACTCTAATTTCTTGGCCCC-3'
Protein context (NP_009225.1, residues 1215-1235): NLSSEDEELP[Cys1225Gly]FQHLLFGKVN

ClinVar aggregate classification (germline): Conflicting classifications of pathogenicity. Review status: criteria provided, conflicting classifications (1 of 4 stars). 2 submissions from 2 submitters: Uncertain significance (1); Likely benign (1). Last evaluated 2023-03-23.

Conditions:
Hereditary cancer-predisposing syndrome. Also called: Neoplastic Syndromes, Hereditary; Hereditary Cancer Syndrome; Hereditary neoplastic syndrome; Tumor predisposition. Identifiers: Orphanet 140162, MedGen C0027672, MeSH D009386, MONDO:0015356.
Hereditary breast ovarian cancer syndrome. Also called: Hereditary breast and ovarian cancer syndrome (HBOC); Hereditary breast and ovarian cancer syndrome; Breast and ovarian cancer; Hereditary breast and/or ovarian cancer syndrome; Hereditary breast and ovarian cancer; BRCA1- and BRCA2-Associated Hereditary Breast and Ovarian Cancer. Identifiers: Orphanet 145, MedGen C0677776, MeSH D061325, MONDO:0003582. Disease mechanism: loss of function.

Allele frequency attached by ClinVar (database versions not stated): gnomAD exomes below 0.00001.
gnomAD v4.1: 1 of 1,614,226 alleles (0.000062%); no homozygotes.

Submissions (2):

University of Washington Department of Laboratory Medicine, University of Washington
Classification: Likely benign for Hereditary cancer-predisposing syndrome. Last evaluated: 2023-03-23. Review status: criteria provided, single submitter. Criteria: Dines et al. (Genet Med. 2020). Collection method: curation. Allele origin: germline.
Comment: Missense variant in a coldspot region where missense variants are very unlikely to be pathogenic (PMID:31911673).

BRCA1 coldspot (exon 11 using historical exon numbering). Reclassification based on statistical prior probability

Labcorp Genetics (formerly Invitae), Labcorp
Classification: Uncertain significance for Hereditary breast ovarian cancer syndrome. Last evaluated: 2017-10-27. Review status: criteria provided, single submitter. Criteria: Invitae Variant Classification Sherloc (09022015). Collection method: clinical testing. Allele origin: germline.
Comment: In summary, the available evidence is currently insufficient to determine the role of this variant in disease. Therefore, it has been classified as a Variant of Uncertain Significance. Algorithms developed to predict the effect of missense changes on protein structure and function (SIFT, PolyPhen-2, Align-GVGD) all suggest that this variant is likely to be tolerated, but these predictions have not been confirmed by published functional studies and their clinical significance is uncertain. This variant has not been reported in the literature in individuals with BRCA1-related disease. This variant is not present in population databases (ExAC no frequency). This sequence change replaces cysteine with glycine at codon 1225 of the BRCA1 protein (p.Cys1225Gly). The cysteine residue is moderately conserved and there is a large physicochemical difference between cysteine and glycine.